The following is an entry in ClinVar:

ClinVar aggregate classification (germline): Pathogenic. Review status: criteria provided, multiple submitters, no conflicts (2 of 4 stars). 7 submissions from 7 submitters: Pathogenic (7). Last evaluated 2025-05-01.

Conditions:
Inborn genetic diseases. Identifiers: MedGen C0950123, MeSH D030342.
CEP290-related disorder. Also called: CEP290-related condition; CEP290-related disorders. Identifiers: MedGen CN239314.
Bardet-Biedl syndrome 14 (BBS14). Identifiers: Orphanet 110, MedGen C2673874, MONDO:0014442, OMIM 615991.
Meckel syndrome, type 4 (MKS4). Also called: MECKEL-GRUBER SYNDROME, TYPE 4. Identifiers: Orphanet 564, MedGen C1970161, MONDO:0012626, OMIM 611134.
Senior-Loken syndrome 6 (SLSN6). Identifiers: Orphanet 3156, MedGen C1857779, MONDO:0012433, OMIM 610189.
Joubert syndrome 5 (JBTS5). Identifiers: Orphanet 2318, MedGen C1857780, MONDO:0012432, OMIM 610188.
Leber congenital amaurosis 10 (LCA10). Identifiers: Orphanet 65, MedGen C1857821, MONDO:0012723, OMIM 611755.
Joubert syndrome. Also called: JOUBERT-BOLTSHAUSER SYNDROME; Familial aplasia of the vermis. Identifiers: Orphanet 475, MedGen C5979921, MONDO:0018772.
Nephronophthisis. Also called: Juvenile Nephronophthisis. Identifiers: Orphanet 655, MedGen C0687120, MONDO:0019005, HP:0000090.
Meckel-Gruber syndrome. Also called: DYSENCEPHALIA SPLANCHNOCYSTICA; GRUBER SYNDROME; Dysencephalia splachnocystica. Identifiers: Orphanet 564, MedGen C0265215, MONDO:0018921.
Leber congenital amaurosis (LCA). Also called: Leber's amaurosis. Identifiers: Orphanet 65, MedGen C0339527, MeSH D057130, MONDO:0018998.

Allele frequency attached by ClinVar (database versions not stated): TOPMed 0.00001.

Submissions (7):

Natera, Inc.
Classification: Pathogenic for Leber congenital amaurosis. Last evaluated: 2025-05-01. Review status: criteria provided, single submitter. Criteria: Natera Variant Classification Schema (03/2026). Collection method: clinical testing. Allele origin: germline.
Comment: The c.7328_7332dupAGAAG variant in CEP290 is a frameshift variant predicted to shift the reading frame beginning at codon 2445 and leads to a stop codon 3 codons downstream. This variant is expected to result in nonsense mediated decay, truncation, or a dysfunctional protein product. This variant is rare in the general population with a frequency below the threshold expected for the associated phenotype(s). This variant has been observed in one or more individuals affected with the associated recessive disease, as either homozygous or compound heterozygous with a second variant (PMID: 31630094). Given the available evidence, this variant is classified as Pathogenic.

Revvity Omics, Revvity
Classification: Pathogenic. Last evaluated: 2024-09-17. Review status: criteria provided, single submitter. Criteria: ACMG Guidelines, 2015. Collection method: clinical testing. Allele origin: germline.

Fulgent Genetics
Classification: Pathogenic for Joubert syndrome 5; Senior-Loken syndrome 6; Meckel syndrome, type 4; Leber congenital amaurosis 10; Bardet-Biedl syndrome 14. Last evaluated: 2024-03-13. Review status: criteria provided, single submitter. Criteria: ACMG Guidelines, 2015. Collection method: clinical testing. Allele origin: germline.

Ambry Genetics
Classification: Pathogenic for Inborn genetic diseases. Last evaluated: 2024-02-20. Review status: criteria provided, single submitter. Criteria: Ambry Variant Classification Scheme 2023. Collection method: clinical testing. Allele origin: germline.
Comment: The c.7328_7332dupAGAAG (p.V2445Rfs*3) alteration, located in exon 54 (coding exon 53) of the CEP290 gene, consists of a duplication of AGAAG at position 7328, causing a translational frameshift with a predicted alternate stop codon after 3 amino acids. This alteration occurs at the 3' terminus of the CEP290 gene, is not expected to trigger nonsense-mediated mRNA decay, and only impacts the last 1.4% of the protein. However, premature stop codons are typically deleterious in nature and the impacted region is critical for protein function (Ambry internal data). Based on data from gnomAD, the AGAAGAGAAG allele has an overall frequency of 0.004% (9/246068) total alleles studied. The highest observed frequency was 0.05% (9/17952) of East Asian alleles. This variant has been identified likely in trans with another CEP290 variant in multiple individuals with features consistent with CEP290-related ciliopathy (Liu, 2021; Xu, 2020; Xu, 2016). Based on the available evidence, this alteration is classified as pathogenic.

Labcorp Genetics (formerly Invitae), Labcorp
Classification: Pathogenic for Joubert syndrome; Meckel-Gruber syndrome; Nephronophthisis. Last evaluated: 2024-01-27. Review status: criteria provided, single submitter. Criteria: Invitae Variant Classification Sherloc (09022015). Collection method: clinical testing. Allele origin: germline.
Comment: This sequence change creates a premature translational stop signal (p.Val2445Argfs*3) in the CEP290 gene. While this is not anticipated to result in nonsense mediated decay, it is expected to disrupt the last 35 amino acid(s) of the CEP290 protein. This variant is present in population databases (rs775531853, gnomAD 0.05%). This variant has not been reported in the literature in individuals affected with CEP290-related conditions. ClinVar contains an entry for this variant (Variation ID: 663263). Algorithms developed to predict the effect of sequence changes on RNA splicing suggest that this variant may create or strengthen a splice site. This variant disrupts a region of the CEP290 protein in which other variant(s) (p.Leu2448Thrfs*8) have been determined to be pathogenic (PMID: 16682973, 16909394, 29588463). This suggests that this is a clinically significant region of the protein, and that variants that disrupt it are likely to be disease-causing. For these reasons, this variant has been classified as Pathogenic.

Baylor Genetics
Classification: Pathogenic for Bardet-Biedl syndrome 14. Last evaluated: 2023-10-18. Review status: criteria provided, single submitter. Criteria: ACMG Guidelines, 2015. Collection method: clinical testing. Allele origin: unknown.

Blueprint Genetics
Classification: Pathogenic for CEP290-related disorders. Last evaluated: 2022-02-04. Review status: criteria provided, single submitter. Criteria: ACMG Guidelines, 2015. Collection method: clinical testing. Allele origin: germline. Affected: yes. Observed: 1 variant allele.

Literature cited by the submitters: PubMed 31630094 (cited by Natera, Inc. and Ambry Genetics); PubMed 27375279 (cited by Ambry Genetics); PubMed 33090715 (cited by Ambry Genetics); PubMed 16682973 (cited by Labcorp Genetics (formerly Invitae), Labcorp); PubMed 16909394 (cited by Labcorp Genetics (formerly Invitae), Labcorp); PubMed 29588463 (cited by Labcorp Genetics (formerly Invitae), Labcorp).

NM_025114.4(CEP290):c.7328_7332dup (p.Val2445fs)

Genes: RLIG1 (RNA 5'-phosphate and 3'-OH ligase 1; plus strand), CEP290 (centrosomal protein 290; minus strand). Cytogenetic location: 12q21.32.
Variant type: Microsatellite.
Coding change: c.7328_7332dup on transcript NM_025114.4 (MANE Select); coding-DNA positions 7328 to 7332, 5 bases duplicated (AGAAG; older notation c.7328_7332dupAGAAG).
Protein change: p.Val2445fs; shifts the reading frame from valine 2445.
Molecular consequence: frameshift variant. On other transcripts: 3 prime UTR variant (1).
Genome position (GRCh38, 1-based): chr12:88,049,292-88,049,296, CTTCT duplicated on the plus strand (AGAAG on the coding strand, the reverse complement: CEP290 is on the minus strand); duplicating any 5 consecutive bases within chr12:88,049,292-88,049,301 gives the same sequence; the c. name uses the placement nearest the transcript's 3' end. VCF-style (leftmost placement, unchanged base first): chr12-88049291-C-CCTTCT. GRCh37 (hg19) VCF-style: chr12-88443068-C-CCTTCT.
Other names: c.7328_7332dupAGAAG (NM_025114.3); c.*870CTTCT[3] (NM_001009894.3); short protein forms V2445fs.
Identifiers: ClinVar variation 663263 (VCV000663263.17), dbSNP rs747138345, ClinGen allele CA6711288.